The following is an entry in ClinVar:

NM_001458.5(FLNC):c.6121G>A (p.Ala2041Thr)

Genes: FLNC (filamin C; plus strand), FLNC-AS1 (FLNC antisense RNA 1; minus strand). Cytogenetic location: 7q32.1.
Variant type: single nucleotide variant.
Coding change: c.6121G>A on transcript NM_001458.5 (MANE Select); coding-DNA position 6121, G replaced by A.
Protein change: p.Ala2041Thr; replaces alanine 2041 with threonine.
Molecular consequence: missense variant.
Genome position (GRCh38, 1-based): chr7:128,852,944, G>A. VCF-style: chr7-128852944-G-A. GRCh37 (hg19) VCF-style: chr7-128492998-G-A.
Other names: c.6121G>A (NM_001458.4); c.6022G>A, p.Ala2008Thr (NM_001127487.2); short protein forms A2008T, A2041T.
Identifiers: ClinVar variation 1015896 (VCV001015896.12), dbSNP rs745842738, ClinGen allele CA369211302.

ClinVar aggregate classification (germline): Uncertain significance. Review status: criteria provided, multiple submitters, no conflicts (2 of 4 stars). 3 submissions from 3 submitters: Uncertain significance (3). Last evaluated 2025-07-28.

Conditions:
Hypertrophic cardiomyopathy 26. Also called: Cardiomyopathy, familial hypertrophic, 26. Identifiers: Orphanet 75249, MedGen C4310749, MONDO:0014883, OMIM 617047.
Myofibrillar myopathy 5. Also called: Filaminopathy (type); FILAMINOPATHY, AUTOSOMAL DOMINANT. Identifiers: Orphanet 171445, MedGen C1836050, MONDO:0012289, OMIM 609524.
Distal myopathy with posterior leg and anterior hand involvement. Also called: WILLIAMS DISTAL MYOPATHY. Identifiers: Orphanet 63273, MedGen C3279722, MONDO:0013550, OMIM 614065.
Cardiovascular phenotype. Identifiers: MedGen CN230736.

gnomAD v4.1: 3 of 1,613,582 alleles (0.00019%); highest among the groups gnomAD compares: Non-Finnish European, 0.00025%; no homozygotes.

Submissions (3):

Labcorp Genetics (formerly Invitae), Labcorp
Classification: Uncertain significance for Distal myopathy with posterior leg and anterior hand involvement; Myofibrillar myopathy 5; Hypertrophic cardiomyopathy 26. Last evaluated: 2025-07-28. Review status: criteria provided, single submitter. Criteria: Invitae Variant Classification Sherloc (09022015). Collection method: clinical testing. Allele origin: germline.
Comment: This sequence change replaces alanine, which is neutral and non-polar, with threonine, which is neutral and polar, at codon 2041 of the FLNC protein (p.Ala2041Thr). This variant is not present in population databases (gnomAD no frequency). This variant has not been reported in the literature in individuals affected with FLNC-related conditions. ClinVar contains an entry for this variant (Variation ID: 1015896). Invitae Evidence Modeling of protein sequence and biophysical properties (such as structural, functional, and spatial information, amino acid conservation, physicochemical variation, residue mobility, and thermodynamic stability) has been performed for this missense variant. However, the output from this modeling did not meet the statistical confidence thresholds required to predict the impact of this variant on FLNC protein function. In summary, the available evidence is currently insufficient to determine the role of this variant in disease. Therefore, it has been classified as a Variant of Uncertain Significance.

Ambry Genetics
Classification: Uncertain significance for Cardiovascular phenotype. Last evaluated: 2023-09-03. Review status: criteria provided, single submitter. Criteria: Ambry Variant Classification Scheme 2023. Collection method: clinical testing. Allele origin: germline.
Comment: The p.A2041T variant (also known as c.6121G>A), located in coding exon 37 of the FLNC gene, results from a G to A substitution at nucleotide position 6121. The alanine at codon 2041 is replaced by threonine, an amino acid with similar properties. This amino acid position is highly conserved in available vertebrate species. In addition, this alteration is predicted to be deleterious by in silico analysis. Since supporting evidence is limited at this time, the clinical significance of this alteration remains unclear.

Blueprint Genetics
Classification: Uncertain significance. Last evaluated: 2020-12-01. Review status: criteria provided, single submitter. Criteria: ACMG Guidelines, 2015. Collection method: clinical testing. Allele origin: germline.